The following is an entry in ClinVar:

NM_000368.5(TSC1):c.699_701del (p.Val234del)

Gene: TSC1 (TSC complex subunit 1; minus strand). Cytogenetic location: 9q34.13.
Variant type: Deletion.
Coding change: c.699_701del on transcript NM_000368.5 (MANE Select); coding-DNA positions 699 to 701, 3 bases deleted (AGT; older notation c.699_701delAGT).
Protein change: p.Val234del; deletes valine 234.
Molecular consequence: inframe deletion. On other transcripts: 5 prime UTR variant (1), non-coding transcript variant (5), intron variant (4).
Genome position (GRCh38, 1-based): chr9:132,921,399-132,921,401, ACT deleted on the plus strand (AGT on the coding strand, the reverse complement: TSC1 is on the minus strand); deleting any 3 consecutive bases within chr9:132,921,399-132,921,402 gives the same sequence; the c. name uses the placement nearest the transcript's 3' end. VCF-style (leftmost placement, unchanged base first): chr9-132921398-CACT-C. GRCh37 (hg19) VCF-style: chr9-135796785-CACT-C.
Other names: c.699_701del, p.Val234del (NM_001162426.2, NM_001406592.1, NM_001406593.1 and 16 more transcripts); c.546_548del, p.Val183del (NM_001162427.2, NM_001406610.1, NM_001406611.1 and 2 more transcripts); c.336_338del, p.Val113del (NM_001362177.2, NM_001406614.1, NM_001406615.1 and 10 more transcripts); c.-395_-393del (NM_001406630.1); c.-215+418_-215+420del (NM_001406627.1, NM_001406628.1, NM_001406626.1); c.-357+418_-357+420del (NM_001406629.1); short protein forms V234del, V113del, V183del.
Identifiers: ClinVar variation 4734078 (VCV004734078.1).

ClinVar aggregate classification (germline): Uncertain significance (1 of 4 stars; one submission).

Conditions:
Tuberous sclerosis 1 (TSC1). Identifiers: Orphanet 805, MedGen C1854465, MONDO:0008612, OMIM 191100.

Submission:

Labcorp Genetics (formerly Invitae), Labcorp
Classification: Uncertain significance for Tuberous sclerosis 1. Last evaluated: 2025-12-24. Review status: criteria provided, single submitter. Criteria: Invitae Variant Classification Sherloc (09022015). Collection method: clinical testing. Allele origin: germline.
Comment: This variant, c.699_701del, results in the deletion of 1 amino acid(s) of the TSC1 protein (p.Val234del), but otherwise preserves the integrity of the reading frame. This variant is not present in population databases (gnomAD no frequency). This variant has not been reported in the literature in individuals affected with TSC1-related conditions. Experimental studies and prediction algorithms are not available or were not evaluated, and the functional significance of this variant is currently unknown. In summary, the available evidence is currently insufficient to determine the role of this variant in disease. Therefore, it has been classified as a Variant of Uncertain Significance.